The following is an entry in ClinVar:

ClinVar aggregate classification (germline): Uncertain significance (1 of 4 stars; one submission).

Conditions:
Spastic paraplegia. Identifiers: MedGen C0037772, HP:0001258.

Allele frequency attached by ClinVar (database versions not stated): gnomAD exomes below 0.00001.
gnomAD v4.1: 1 of 1,613,538 alleles (0.000062%); highest among the groups gnomAD compares: Non-Finnish European, 0.000085%; no homozygotes.

Submission:

Labcorp Genetics (formerly Invitae), Labcorp
Classification: Uncertain significance for Spastic paraplegia. Last evaluated: 2022-02-10. Review status: criteria provided, single submitter. Criteria: Invitae Variant Classification Sherloc (09022015). Collection method: clinical testing. Allele origin: germline.
Comment: This sequence change replaces aspartic acid, which is acidic and polar, with asparagine, which is neutral and polar, at codon 3087 of the SACS protein (p.Asp3087Asn). This variant is not present in population databases (gnomAD no frequency). This variant has not been reported in the literature in individuals affected with SACS-related conditions. Advanced modeling of protein sequence and biophysical properties (such as structural, functional, and spatial information, amino acid conservation, physicochemical variation, residue mobility, and thermodynamic stability) performed at Invitae indicates that this missense variant is not expected to disrupt SACS protein function. In summary, the available evidence is currently insufficient to determine the role of this variant in disease. Therefore, it has been classified as a Variant of Uncertain Significance.

NM_014363.6(SACS):c.9259G>A (p.Asp3087Asn)

Gene: SACS (sacsin molecular chaperone; minus strand). Cytogenetic location: 13q12.12.
Variant type: single nucleotide variant.
Coding change: c.9259G>A on transcript NM_014363.6 (MANE Select); coding-DNA position 9259, G replaced by A.
Protein change: p.Asp3087Asn; replaces aspartic acid 3087 with asparagine.
Molecular consequence: missense variant.
Genome position (GRCh38, 1-based): chr13:23,334,617, C>T on the plus strand (G>A on the coding strand, the complement: SACS is on the minus strand). VCF-style: chr13-23334617-C-T. GRCh37 (hg19) VCF-style: chr13-23908756-C-T.
Other names: c.8818G>A, p.Asp2940Asn (NM_001278055.2); short protein forms D2940N, D3087N.
Identifiers: ClinVar variation 1480716 (VCV001480716.6), dbSNP rs2137585503, ClinGen allele CA387514830.